The following is an entry in ClinVar:

NM_001353694.2(TIAM1):c.3019C>T (p.Arg1007Cys)

Gene: TIAM1 (TIAM Rac1 associated GEF 1; minus strand). Cytogenetic location: 21q22.11.
Variant type: single nucleotide variant.
Coding change: c.3019C>T on transcript NM_001353694.2 (MANE Select); coding-DNA position 3019, C replaced by T.
Protein change: p.Arg1007Cys; replaces arginine 1007 with cysteine.
Molecular consequence: missense variant. On other transcripts: intron variant (2).
Genome position (GRCh38, 1-based): chr21:31,154,399, G>A on the plus strand (C>T on the coding strand, the complement: TIAM1 is on the minus strand). VCF-style: chr21-31154399-G-A. GRCh37 (hg19) VCF-style: chr21-32526717-G-A.
Other names: c.118C>T, p.Arg40Cys (NM_001353684.2); c.2944C>T, p.Arg982Cys (NM_001353687.2); c.3019C>T, p.Arg1007Cys (NM_001353688.1, NM_001353689.1, NM_001353690.1 and 4 more transcripts); c.2992-48C>T (NM_001353686.2); c.91-48C>T (NM_001353685.2); short protein forms R1007C, R40C, R982C.
Identifiers: ClinVar variation 3602485 (VCV003602485.1).

ClinVar aggregate classification (germline): Uncertain significance (1 of 4 stars; one submission).

gnomAD v4.1: 9 of 1,614,000 alleles (0.00056%); highest among the groups gnomAD compares: Non-Finnish European, 0.00059%; no homozygotes.

Submission:

GeneDx
Classification: Uncertain significance. Last evaluated: 2024-07-29. Review status: criteria provided, single submitter. Criteria: GeneDx Variant Classification Process June 2021. Collection method: clinical testing. Allele origin: germline. Affected: yes.
Comment: Not observed at significant frequency in large population cohorts (gnomAD); In silico analysis supports that this missense variant has a deleterious effect on protein structure/function; Has not been previously published as pathogenic or benign to our knowledge